The following is an entry in ClinVar:

NM_002474.3(MYH11):c.5716G>A (p.Glu1906Lys)

Genes: NDE1 (nudE neurodevelopment protein 1; plus strand), MYH11 (myosin heavy chain 11; minus strand). Cytogenetic location: 16p13.11.
Variant type: single nucleotide variant.
Coding change: c.5716G>A on transcript NM_002474.3 (MANE Select); coding-DNA position 5716, G replaced by A.
Protein change: p.Glu1906Lys; replaces glutamic acid 1906 with lysine.
Molecular consequence: missense variant. On other transcripts: intron variant (2).
Genome position (GRCh38, 1-based): chr16:15,714,979, C>T on the plus strand (G>A on the coding strand, the complement: MYH11 is on the minus strand). VCF-style: chr16-15714979-C-T. GRCh37 (hg19) VCF-style: chr16-15808836-C-T.
Other names: c.5737G>A, p.Glu1913Lys (NM_001040113.2, NM_001040114.2); c.5716G>A, p.Glu1906Lys (NM_022844.3); c.948-9212C>T (NM_001143979.2, NM_017668.3); short protein forms E1906K, E1913K.
Identifiers: ClinVar variation 3387157 (VCV003387157.1).

ClinVar aggregate classification (germline): Uncertain significance (1 of 4 stars; one submission).

Conditions:
Familial thoracic aortic aneurysm and aortic dissection (TAAD). Also called: Thoracic aortic aneurysms and dissections. Identifiers: Orphanet 91387, MedGen C4707243, MONDO:0019625.

Submission:

All of Us Research Program, National Institutes of Health
Classification: Uncertain significance for Familial thoracic aortic aneurysm and aortic dissection. Last evaluated: 2024-03-05. Review status: criteria provided, single submitter. Criteria: ACMG Guidelines, 2015. Collection method: clinical testing. Allele origin: germline. Inheritance: Autosomal dominant inheritance. Observed: 1 variant allele, 1 heterozygote.
Comment: This study involves interpretation of variants in research participants for the purpose of population health screening. Participant phenotype was not available at the time of variant classification. Additional details can be found in publication PMID: 35346344, PMCID: PMC8962531